The following is an entry in ClinVar:

NM_001277115.2(DNAH11):c.1053G>A (p.Glu351=)

Gene: DNAH11 (dynein axonemal heavy chain 11; plus strand). Cytogenetic location: 7p15.3.
Variant type: single nucleotide variant.
Coding change: c.1053G>A on transcript NM_001277115.2 (MANE Select); coding-DNA position 1053, G replaced by A.
Protein change: p.Glu351=; no amino-acid change (glutamic acid 351 retained).
Molecular consequence: synonymous variant.
Genome position (GRCh38, 1-based): chr7:21,564,256, G>A. VCF-style: chr7-21564256-G-A. GRCh37 (hg19) VCF-style: chr7-21603874-G-A.
Other names: p.Glu351=.
Identifiers: ClinVar variation 257845 (VCV000257845.20), dbSNP rs201475447, ClinGen allele CA4178888.

ClinVar aggregate classification (germline): Benign/Likely benign. Review status: criteria provided, multiple submitters, no conflicts (2 of 4 stars). 4 submissions from 4 submitters: Benign (2); Likely benign (2). Last evaluated 2026-01-28.

Conditions:
Primary ciliary dyskinesia. Also called: Ciliary dyskinesia. Identifiers: Orphanet 244, MedGen C0008780, MONDO:0016575, HP:0012265.

Allele frequency attached by ClinVar (database versions not stated): gnomAD 0.00002 and 0.00043; TOPMed 0.00011; gnomAD exomes 0.00099 and 0.00204; 1000 Genomes Project 30x 0.00203; ExAC 0.00222; 1000 Genomes Project 0.00240.
gnomAD v4.1: 1,535 of 1,613,648 alleles (0.095%); highest among the groups gnomAD compares: South Asian, 1.5%; 27 homozygotes.

Submissions (4):

Labcorp Genetics (formerly Invitae), Labcorp
Classification: Benign for Primary ciliary dyskinesia. Last evaluated: 2026-01-28. Review status: criteria provided, single submitter. Criteria: Invitae Variant Classification Sherloc (09022015). Collection method: clinical testing. Allele origin: germline.

Mayo Clinic Laboratories, Mayo Clinic
Classification: Benign. Last evaluated: 2025-02-21. Review status: criteria provided, single submitter. Criteria: ACMG Guidelines, 2015. Collection method: clinical testing. Allele origin: germline. Observed: 1 variant allele.
Comment: BS1, BS2, BP4, BP7

Ambry Genetics
Classification: Likely benign for Primary ciliary dyskinesia. Last evaluated: 2016-12-28. Review status: criteria provided, single submitter. Criteria: Ambry Variant Classification Scheme 2023. Collection method: clinical testing. Allele origin: germline.

PreventionGenetics, part of Exact Sciences
Classification: Likely benign. Review status: criteria provided, single submitter. Criteria: ACMG Guidelines, 2015. Collection method: clinical testing. Allele origin: germline.